The following is an entry in ClinVar:

ClinVar aggregate classification (germline): Likely benign (0 of 4 stars; one submission).

Conditions:
JPH2-related disorder. Also called: JPH2-related condition.

Allele frequency attached by ClinVar (database versions not stated): ExAC 0.00002; gnomAD 0.00002; gnomAD exomes 0.00002; TOPMed 0.00004.
gnomAD v4.1: 27 of 1,188,004 alleles (0.0023%); highest among the groups gnomAD compares: Admixed American, 0.039%; no homozygotes.

Submission:

PreventionGenetics, part of Exact Sciences
Classification: Likely benign for JPH2-related condition. Last evaluated: 2023-08-04. Review status: no assertion criteria provided. Collection method: clinical testing. Allele origin: germline.
Comment: This variant is classified as likely benign based on ACMG/AMP sequence variant interpretation guidelines (Richards et al. 2015 PMID: 25741868, with internal and published modifications).

NM_020433.5(JPH2):c.379+8369C>T

Gene: JPH2 (junctophilin 2; minus strand). Cytogenetic location: 20q13.12.
Variant type: single nucleotide variant.
Coding change: c.379+8369C>T on transcript NM_020433.5 (MANE Select); 8369 bases into the intron after coding-DNA position 379, C replaced by T.
Molecular consequence: intron variant. On other transcripts: 3 prime UTR variant (1).
Genome position (GRCh38, 1-based): chr20:44,177,958, G>A on the plus strand (C>T on the coding strand, the complement: JPH2 is on the minus strand). VCF-style: chr20-44177958-G-A. GRCh37 (hg19) VCF-style: chr20-42806598-G-A.
Other names: c.*4C>T (NM_175913.4).
Identifiers: ClinVar variation 3032161 (VCV003032161.2), dbSNP rs760461980, ClinGen allele CA9868862.